The following is an entry in ClinVar:

NM_152296.5(ATP1A3):c.46G>C (p.Gly16Arg)

Gene: ATP1A3 (ATPase Na+/K+ transporting subunit alpha 3; minus strand). Cytogenetic location: 19q13.2.
Variant type: single nucleotide variant.
Coding change: c.46G>C on transcript NM_152296.5 (MANE Select); coding-DNA position 46, G replaced by C.
Protein change: p.Gly16Arg; replaces glycine 16 with arginine.
Molecular consequence: missense variant.
Genome position (GRCh38, 1-based): chr19:41,988,523, C>G on the plus strand (G>C on the coding strand, the complement: ATP1A3 is on the minus strand). VCF-style: chr19-41988523-C-G. GRCh37 (hg19) VCF-style: chr19-42492675-C-G.
Other names: c.79G>C, p.Gly27Arg (NM_001256213.2); c.85G>C, p.Gly29Arg (NM_001256214.2); short protein forms G16R, G27R, G29R.
Identifiers: ClinVar variation 3342079 (VCV003342079.16).

ClinVar aggregate classification (germline): Uncertain significance (1 of 4 stars; one submission).

Submission:

CeGaT Center for Human Genetics Tuebingen
Classification: Uncertain significance. Last evaluated: 2024-08-01. Review status: criteria provided, single submitter. Criteria: CeGaT Center For Human Genetics Tuebingen Variant Classification Criteria Version 2. Collection method: clinical testing. Allele origin: germline. Affected: yes. Observed: 1 variant allele.
Comment: ATP1A3: PM2